The following is an entry in ClinVar:

NM_001844.5(COL2A1):c.1681G>A (p.Gly561Ser)

Gene: COL2A1 (collagen type II alpha 1 chain; minus strand). Cytogenetic location: 12q13.11.
Variant type: single nucleotide variant.
Coding change: c.1681G>A on transcript NM_001844.5 (MANE Select); coding-DNA position 1681, G replaced by A.
Protein change: p.Gly561Ser; replaces glycine 561 with serine.
Molecular consequence: missense variant.
Genome position (GRCh38, 1-based): chr12:47,985,587, C>T on the plus strand (G>A on the coding strand, the complement: COL2A1 is on the minus strand). VCF-style: chr12-47985587-C-T. GRCh37 (hg19) VCF-style: chr12-48379370-C-T.
Other names: c.1474G>A, p.Gly492Ser (NM_033150.3); short protein forms G492S, G561S.
Identifiers: ClinVar variation 2137338 (VCV002137338.5), dbSNP rs2540146311, ClinGen allele CA384551238.

ClinVar aggregate classification (germline): Pathogenic/Likely pathogenic. Review status: criteria provided, multiple submitters, no conflicts (2 of 4 stars). 2 submissions from 2 submitters: Pathogenic (1); Likely pathogenic (1). Last evaluated 2025-06-10.

Conditions:
COL2A1-related disorder. Also called: COL2A1-related condition; COL2A1-related disorders.

Submissions (2):

3billion
Classification: Likely pathogenic for COL2A1-related disorder. Last evaluated: 2025-06-10. Review status: criteria provided, single submitter. Criteria: ACMG Guidelines, 2015. Collection method: clinical testing. Allele origin: germline. Affected: yes.
Comment: The variant is not observed in the gnomAD v4.1.0 dataset. Predicted Consequence/Location: The variant is located in a mutational hot spot and/or well-established functional domain in which established pathogenic variants have been reported (PMID: 26626311). In silico tool predictions suggest damaging effect of the variant on gene or gene product [REVEL: 0.98 (>=0.6, sensitivity 0.68 and specificity 0.92); 3Cnet: 0.99 (> 0.75, sensitivity 0.96 and precision 0.92)]. The same nucleotide change resulting in the same amino acid change has been previously reported to be associated with COL2A1-related disorder (ClinVar ID: VCV002137338 /PMID: 26626311).A different missense change at the same codon (p.Gly561Val) has been reported to be associated with COL2A1-related disorder (ClinVar ID: VCV000987394). Therefore, this variant is classified as Likely pathogenic according to the recommendation of ACMG/AMP guideline.

Labcorp Genetics (formerly Invitae), Labcorp
Classification: Pathogenic. Last evaluated: 2024-05-29. Review status: criteria provided, single submitter. Criteria: Invitae Variant Classification Sherloc (09022015). Collection method: clinical testing. Allele origin: germline.
Comment: This sequence change replaces glycine, which is neutral and non-polar, with serine, which is neutral and polar, at codon 561 of the COL2A1 protein (p.Gly561Ser). This variant is not present in population databases (gnomAD no frequency). This missense change has been observed in individual(s) with autosomal dominant spondyloepiphyseal dysplasia congenita (PMID: 26377240, 26626311). In at least one individual the variant was observed to be de novo. ClinVar contains an entry for this variant (Variation ID: 2137338). An algorithm developed to predict the effect of missense changes on protein structure and function (PolyPhen-2) suggests that this variant is likely to be disruptive. Algorithms developed to predict the effect of sequence changes on RNA splicing suggest that this variant may disrupt the consensus splice site. This variant disrupts the triple helix domain of COL2A1. Glycine residues within the Gly-Xaa-Yaa repeats of the triple helix domain are required for the structure and stability of fibrillar collagens (PMID: 7695699, 8218237, 19344236). In COL2A1, variants affecting these glycine residues are significantly enriched in individuals with disease (PMID: 9016532, 17078022) compared to the general population (ExAC). For these reasons, this variant has been classified as Pathogenic.

Literature cited by the submitters: PubMed 26626311 (cited by 3billion and Labcorp Genetics (formerly Invitae), Labcorp); PubMed 26377240 (cited by Labcorp Genetics (formerly Invitae), Labcorp); PubMed 7695699 (cited by Labcorp Genetics (formerly Invitae), Labcorp); PubMed 8218237 (cited by Labcorp Genetics (formerly Invitae), Labcorp); PubMed 19344236 (cited by Labcorp Genetics (formerly Invitae), Labcorp); PubMed 9016532 (cited by Labcorp Genetics (formerly Invitae), Labcorp); PubMed 17078022 (cited by Labcorp Genetics (formerly Invitae), Labcorp).